The following is an entry in ClinVar:

ClinVar aggregate classification (germline): Uncertain significance (1 of 4 stars; one submission).

Submission:

GeneDx
Classification: Uncertain significance. Last evaluated: 2025-06-10. Review status: criteria provided, single submitter. Criteria: GeneDx Variant Classification Process June 2021. Collection method: clinical testing. Allele origin: germline. Affected: yes.
Comment: Not observed at significant frequency in large population cohorts (gnomAD); In silico analysis suggests that this missense variant does not alter protein structure/function; Has not been previously published as pathogenic or benign to our knowledge

NM_001378964.1(CDON):c.1673T>A (p.Val558Asp)

Gene: CDON (cell adhesion associated, oncogene regulated; minus strand). Cytogenetic location: 11q24.2.
Variant type: single nucleotide variant.
Coding change: c.1673T>A on transcript NM_001378964.1 (MANE Select); coding-DNA position 1673, T replaced by A.
Protein change: p.Val558Asp; replaces valine 558 with aspartic acid.
Molecular consequence: missense variant.
Genome position (GRCh38, 1-based): chr11:126,005,937, A>T on the plus strand (T>A on the coding strand, the complement: CDON is on the minus strand). VCF-style: chr11-126005937-A-T. GRCh37 (hg19) VCF-style: chr11-125875832-A-T.
Other names: c.1673T>A, p.Val558Asp (NM_001243597.3, NM_001441161.1, NM_001441162.1 and 5 more transcripts); short protein forms V558D.
Identifiers: ClinVar variation 4537665 (VCV004537665.1).